The following is an entry in ClinVar:

ClinVar aggregate classification (germline): Pathogenic/Likely pathogenic. Review status: criteria provided, multiple submitters, no conflicts (2 of 4 stars). 2 submissions from 2 submitters: Pathogenic (1); Likely pathogenic (1). Last evaluated 2024-08-13.

Conditions:
Familial cancer of breast. Also called: BREAST CANCER, FAMILIAL; Hereditary breast cancer; hereditary breast carcinoma. Identifiers: Orphanet 227535, MedGen C0346153, MONDO:0016419, OMIM 114480. Disease mechanism: loss of function.
Hereditary cancer-predisposing syndrome. Also called: Neoplastic Syndromes, Hereditary; Tumor predisposition; Hereditary Cancer Syndrome; Hereditary neoplastic syndrome. Identifiers: Orphanet 140162, MedGen C0027672, MeSH D009386, MONDO:0015356.

Submissions (2):

Labcorp Genetics (formerly Invitae), Labcorp
Classification: Pathogenic for Familial cancer of breast. Last evaluated: 2024-08-13. Review status: criteria provided, single submitter. Criteria: Invitae Variant Classification Sherloc (09022015). Collection method: clinical testing. Allele origin: germline.
Comment: This sequence change creates a premature translational stop signal (p.Gln958*) in the PALB2 gene. It is expected to result in an absent or disrupted protein product. Loss-of-function variants in PALB2 are known to be pathogenic (PMID: 17200668, 17200671, 17200672, 24136930, 25099575). This variant is not present in population databases (gnomAD no frequency). This variant has not been reported in the literature in individuals affected with PALB2-related conditions. ClinVar contains an entry for this variant (Variation ID: 920797). Algorithms developed to predict the effect of sequence changes on RNA splicing suggest that this variant may disrupt the consensus splice site. For these reasons, this variant has been classified as Pathogenic.

Color Diagnostics, LLC DBA Color Health
Classification: Likely pathogenic for Hereditary cancer-predisposing syndrome. Last evaluated: 2020-01-15. Review status: criteria provided, single submitter. Criteria: ACMG Guidelines, 2015. Collection method: clinical testing. Allele origin: germline.
Comment: This variant changes 1 nucleotide in exon 9 of the PALB2 gene, creating a premature translation stop signal. This variant is expected to result in an absent or non-functional protein product. This variant has not been identified in the general population by the Genome Aggregation Database (gnomAD). Loss of PALB2 function is a known mechanism of disease. Based on the available evidence, this variant is classified as Likely Pathogenic.

Literature cited by the submitters: PubMed 17200668 (cited by Labcorp Genetics (formerly Invitae), Labcorp); PubMed 17200671 (cited by Labcorp Genetics (formerly Invitae), Labcorp); PubMed 17200672 (cited by Labcorp Genetics (formerly Invitae), Labcorp); PubMed 24136930 (cited by Labcorp Genetics (formerly Invitae), Labcorp); PubMed 25099575 (cited by Labcorp Genetics (formerly Invitae), Labcorp).

NM_024675.4(PALB2):c.2872C>T (p.Gln958Ter)

Gene: PALB2 (partner and localizer of BRCA2; minus strand). Cytogenetic location: 16p12.2.
Variant type: single nucleotide variant.
Coding change: c.2872C>T on transcript NM_024675.4 (MANE Select); coding-DNA position 2872, C replaced by T.
Protein change: p.Gln958Ter; replaces glutamine 958 with a stop codon.
Molecular consequence: nonsense.
Genome position (GRCh38, 1-based): chr16:23,623,093, G>A on the plus strand (C>T on the coding strand, the complement: PALB2 is on the minus strand). VCF-style: chr16-23623093-G-A. GRCh37 (hg19) VCF-style: chr16-23634414-G-A.
Other names: short protein forms Q958*.
Identifiers: ClinVar variation 920797 (VCV000920797.11), dbSNP rs1567213829, ClinGen allele CA395144382.